The following is an entry in ClinVar:

ClinVar aggregate classification (germline): Uncertain significance (1 of 4 stars; one submission).

Conditions:
Autosomal recessive limb-girdle muscular dystrophy type R18 (LGMDR18). Also called: Limb-girdle muscular dystrophy, type 2S; Autosomal recessive limb-girdle muscular dystrophy type 2S; MUSCULAR DYSTROPHY, LIMB-GIRDLE, AUTOSOMAL RECESSIVE 18. Identifiers: Orphanet 369840, MedGen C4517996, MONDO:0014144, OMIM 615356.

Allele frequency attached by ClinVar (database versions not stated): ExAC 0.00001; gnomAD exomes 0.00001; TOPMed 0.00002.
gnomAD v4.1: 4 of 1,613,852 alleles (0.00025%); highest among the groups gnomAD compares: Admixed American, 0.0067%; no homozygotes.

Submission:

Labcorp Genetics (formerly Invitae), Labcorp
Classification: Uncertain significance for Autosomal recessive limb-girdle muscular dystrophy type R18. Last evaluated: 2025-02-24. Review status: criteria provided, single submitter. Criteria: Invitae Variant Classification Sherloc (09022015). Collection method: clinical testing. Allele origin: germline.
Comment: This sequence change replaces glycine, which is neutral and non-polar, with arginine, which is basic and polar, at codon 976 of the TRAPPC11 protein (p.Gly976Arg). This variant is present in population databases (rs777141466, gnomAD 0.006%). This variant has not been reported in the literature in individuals affected with TRAPPC11-related conditions. ClinVar contains an entry for this variant (Variation ID: 1407576). Invitae Evidence Modeling of protein sequence and biophysical properties (such as structural, functional, and spatial information, amino acid conservation, physicochemical variation, residue mobility, and thermodynamic stability) indicates that this missense variant is not expected to disrupt TRAPPC11 protein function with a negative predictive value of 80%. Algorithms developed to predict the effect of sequence changes on RNA splicing suggest that this variant may disrupt the consensus splice site. In summary, the available evidence is currently insufficient to determine the role of this variant in disease. Therefore, it has been classified as a Variant of Uncertain Significance.

NM_021942.6(TRAPPC11):c.2926G>A (p.Gly976Arg)

Gene: TRAPPC11 (trafficking protein particle complex subunit 11; plus strand). Cytogenetic location: 4q35.1.
Variant type: single nucleotide variant.
Coding change: c.2926G>A on transcript NM_021942.6 (MANE Select); coding-DNA position 2926, G replaced by A.
Protein change: p.Gly976Arg; replaces glycine 976 with arginine.
Molecular consequence: missense variant.
Genome position (GRCh38, 1-based): chr4:183,701,771, G>A. VCF-style: chr4-183701771-G-A. GRCh37 (hg19) VCF-style: chr4-184622924-G-A.
Other names: c.2926G>A, p.Gly976Arg (NM_199053.3); short protein forms G976R.
Identifiers: ClinVar variation 1407576 (VCV001407576.6), dbSNP rs777141466, ClinGen allele CA3152377.